The following is an entry in ClinVar:

NM_017514.5(PLXNA3):c.268C>T (p.Leu90=)

Gene: PLXNA3 (plexin A3; plus strand). Cytogenetic location: Xq28.
Variant type: single nucleotide variant.
Coding change: c.268C>T on transcript NM_017514.5 (MANE Select); coding-DNA position 268, C replaced by T.
Protein change: p.Leu90=; no amino-acid change (leucine 90 retained).
Molecular consequence: synonymous variant.
Genome position (GRCh38, 1-based): chrX:154,460,451, C>T. VCF-style: chrX-154460451-C-T. GRCh37 (hg19) VCF-style: chrX-153688791-C-T.
Identifiers: ClinVar variation 4987339 (VCV004987339.1).

ClinVar aggregate classification (germline): Likely benign (1 of 4 stars; one submission).

Conditions:
PLXNA3-related disorder. Also called: PLXNA3-related condition.

Submission:

PreventionGenetics, part of Exact Sciences
Classification: Likely benign for PLXNA3-related condition. Last evaluated: 2026-08-05. Review status: criteria provided, single submitter. Criteria: ACMG Guidelines, 2015. Collection method: clinical testing. Allele origin: germline.
Comment: This variant is classified as likely benign based on ACMG/AMP sequence variant interpretation guidelines (Richards et al. 2015 PMID: 25741868, with internal and published modifications).